The following is an entry in ClinVar:

ClinVar aggregate classification (germline): Uncertain significance. Review status: criteria provided, multiple submitters, no conflicts (2 of 4 stars). 2 submissions from 2 submitters: Uncertain significance (2). Last evaluated 2025-12-20.

gnomAD v4.1: 16 of 1,613,962 alleles (0.00099%); highest among the groups gnomAD compares: Admixed American, 0.0083%; no homozygotes.

Submissions (2):

Labcorp Genetics (formerly Invitae), Labcorp
Classification: Uncertain significance. Last evaluated: 2025-12-20. Review status: criteria provided, single submitter. Criteria: Invitae Variant Classification Sherloc (09022015). Collection method: clinical testing. Allele origin: germline.
Comment: This sequence change replaces arginine, which is basic and polar, with histidine, which is basic and polar, at codon 130 of the WNT2B protein (p.Arg130His). This variant is present in population databases (rs767084244, gnomAD 0.01%). This variant has not been reported in the literature in individuals affected with WNT2B-related conditions. ClinVar contains an entry for this variant (Variation ID: 3982298). An algorithm developed to predict the effect of missense changes on protein structure and function (PolyPhen-2) suggests that this variant is likely to be disruptive. In summary, the available evidence is currently insufficient to determine the role of this variant in disease. Therefore, it has been classified as a Variant of Uncertain Significance.

Ambry Genetics
Classification: Uncertain significance. Last evaluated: 2025-03-27. Review status: criteria provided, single submitter. Criteria: Ambry Variant Classification Scheme 2023. Collection method: clinical testing. Allele origin: germline.

NM_024494.3(WNT2B):c.389G>A (p.Arg130His)

Gene: WNT2B (Wnt family member 2B; plus strand). Cytogenetic location: 1p13.2.
Variant type: single nucleotide variant.
Coding change: c.389G>A on transcript NM_024494.3 (MANE Select); coding-DNA position 389, G replaced by A.
Protein change: p.Arg130His; replaces arginine 130 with histidine.
Molecular consequence: missense variant.
Genome position (GRCh38, 1-based): chr1:112,515,080, G>A. VCF-style: chr1-112515080-G-A. GRCh37 (hg19) VCF-style: chr1-113057702-G-A.
Other names: c.113G>A, p.Arg38His (NM_001291880.1); c.332G>A, p.Arg111His (NM_004185.4); short protein forms R111H, R130H, R38H.
Identifiers: ClinVar variation 3982298 (VCV003982298.2).